The following is an entry in ClinVar:

NM_001042492.3(NF1):c.5054G>A (p.Trp1685Ter)

Gene: NF1 (neurofibromin 1; plus strand). Cytogenetic location: 17q11.2.
Variant type: single nucleotide variant.
Coding change: c.5054G>A on transcript NM_001042492.3 (MANE Select); coding-DNA position 5054, G replaced by A.
Protein change: p.Trp1685Ter; replaces tryptophan 1685 with a stop codon.
Molecular consequence: nonsense.
Genome position (GRCh38, 1-based): chr17:31,326,038, G>A. VCF-style: chr17-31326038-G-A. GRCh37 (hg19) VCF-style: chr17-29653056-G-A.
Other names: c.4991G>A, p.Trp1664Ter (NM_000267.4); short protein forms W1685*, W1664*.
Identifiers: ClinVar variation 2822457 (VCV002822457.5), dbSNP rs2508696544, ClinGen allele CA399007408.
Genomic context (GRCh38, chr17:31,326,038, plus strand): 5'-TTTTTCCTGGCTTTGCTTACGACAACGTCTCCGCAGTCTATATCTATAACTGTAACTCCT[G>A]GGTCAGGGAGTACACCAAGTATCATGAGCGGCTGCTGACTGGCCTCAAAGGTAGCAAAAG-3'

ClinVar aggregate classification (germline): Pathogenic/Likely pathogenic. Review status: criteria provided, multiple submitters, no conflicts (2 of 4 stars). 3 submissions from 3 submitters: Pathogenic (2); Likely pathogenic (1). Last evaluated 2025-05-21.

Conditions:
Neurofibromatosis, type 1 (NF1). Also called: Neurofibromatosis, type I; NEUROFIBROMATOSIS, TYPE I, SOMATIC; VON RECKLINGHAUSEN DISEASE; Peripheral type neurofibromatosis. Identifiers: Orphanet 636, MedGen C0027831, MONDO:0018975, OMIM 162200. Disease mechanism: loss of function.
NF1-related disorder. Also called: NF1-related condition. Identifiers: MedGen CN379171.
Hereditary cancer-predisposing syndrome. Also called: Hereditary Cancer Syndrome; Tumor predisposition; Hereditary neoplastic syndrome; Neoplastic Syndromes, Hereditary. Identifiers: Orphanet 140162, MedGen C0027672, MeSH D009386, MONDO:0015356.
Cardiovascular phenotype. Identifiers: MedGen CN230736.

Submissions (3):

Labcorp Genetics (formerly Invitae), Labcorp
Classification: Pathogenic for Neurofibromatosis, type 1. Last evaluated: 2025-05-21. Review status: criteria provided, single submitter. Criteria: Invitae Variant Classification Sherloc (09022015). Collection method: clinical testing. Allele origin: germline.
Comment: This sequence change creates a premature translational stop signal (p.Trp1664*) in the NF1 gene. It is expected to result in an absent or disrupted protein product. Loss-of-function variants in NF1 are known to be pathogenic (PMID: 10712197, 23913538). This variant is not present in population databases (gnomAD no frequency). This premature translational stop signal has been observed in individual(s) with neurofibromatosis, type 1 (PMID: 23913538). ClinVar contains an entry for this variant (Variation ID: 2822457). For these reasons, this variant has been classified as Pathogenic.

Ambry Genetics
Classification: Pathogenic for Cardiovascular phenotype; Hereditary cancer-predisposing syndrome. Last evaluated: 2025-01-14. Review status: criteria provided, single submitter. Criteria: Ambry Variant Classification Scheme 2023. Collection method: clinical testing. Allele origin: germline.
Comment: The p.W1664* pathogenic mutation (also known as c.4991G>A), located in coding exon 36 of the NF1 gene, results from a G to A substitution at nucleotide position 4991. This changes the amino acid from a tryptophan to a stop codon within coding exon 36. Another variant, NF1 c.4992G>A, which results in the same premature protein truncation, was identified in 1 of 565 unrelated French probands with clinical diagnoses or suspicion of NF1 (Sabbagh A et al. Hum Mutat, 2013 Nov;34:1510-8). This variant was reported in individual(s) with features consistent with Neurofibromatosis type 1 (Ambry internal data). This variant is considered to be rare based on population cohorts in the Genome Aggregation Database (gnomAD). In addition to the clinical data presented in the literature, this alteration is expected to result in loss of function by premature protein truncation or nonsense-mediated mRNA decay. As such, this alteration is interpreted as a disease-causing mutation.

Blueprint Genetics
Classification: Likely pathogenic for NF1-related disorders. Last evaluated: 2021-08-12. Review status: criteria provided, single submitter. Criteria: ACMG Guidelines, 2015. Collection method: clinical testing. Allele origin: germline. Affected: yes. Observed: 1 variant allele.

Literature cited by the submitters: PubMed 10712197 (cited by Labcorp Genetics (formerly Invitae), Labcorp); PubMed 23913538 (cited by Labcorp Genetics (formerly Invitae), Labcorp and Ambry Genetics).